The following is an entry in ClinVar:

ClinVar aggregate classification (germline): Pathogenic (1 of 4 stars; one submission).

Conditions:
Hereditary cancer-predisposing syndrome. Also called: Neoplastic Syndromes, Hereditary; Tumor predisposition; Hereditary Cancer Syndrome; Hereditary neoplastic syndrome. Identifiers: Orphanet 140162, MedGen C0027672, MeSH D009386, MONDO:0015356.
Cardiovascular phenotype. Identifiers: MedGen CN230736.

Submission:

Ambry Genetics
Classification: Pathogenic for Cardiovascular phenotype; Hereditary cancer-predisposing syndrome. Last evaluated: 2021-03-19. Review status: criteria provided, single submitter. Criteria: Ambry Variant Classification Scheme 2023. Collection method: clinical testing. Allele origin: germline.
Comment: The c.1896delG variant, located in coding exon 16 of the LZTR1 gene, results from a deletion of one nucleotide at nucleotide position 1896, causing a translational frameshift with a predicted alternate stop codon (p.K632Nfs*20). This alteration is expected to result in loss of function by premature protein truncation or nonsense-mediated mRNA decay. Based on the supporting evidence, this variant is pathogenic for an increased risk of LZTR1-related schwannomatosis (SWN) and would be expected to cause autosomal recessive Noonan syndrome when present along with a second pathogenic or likely pathogenic variant on the other allele.

NM_006767.4(LZTR1):c.1896del (p.Lys632fs)

Gene: LZTR1 (leucine zipper like post translational regulator 1; plus strand). Cytogenetic location: 22q11.21.
Variant type: Deletion.
Coding change: c.1896del on transcript NM_006767.4 (MANE Select); coding-DNA position 1896, one base deleted (G; older notation c.1896delG).
Protein change: p.Lys632fs; shifts the reading frame from lysine 632.
Molecular consequence: frameshift variant.
Genome position (GRCh38, 1-based): chr22:20,994,980, G deleted. VCF-style (leftmost placement, unchanged base first): chr22-20994979-AG-A. GRCh37 (hg19) VCF-style: chr22-21349268-AG-A.
Other names: short protein forms K632fs.
Identifiers: ClinVar variation 1782155 (VCV001782155.3), dbSNP rs2518622595, ClinGen allele CA2580099248.